The following is an entry in ClinVar:

NM_000397.4(CYBB):c.1579C>T (p.His527Tyr)

Gene: CYBB (cytochrome b-245 beta chain; plus strand). Cytogenetic location: Xp11.4.
Variant type: single nucleotide variant.
Coding change: c.1579C>T on transcript NM_000397.4 (MANE Select); coding-DNA position 1579, C replaced by T.
Protein change: p.His527Tyr; replaces histidine 527 with tyrosine.
Molecular consequence: missense variant.
Genome position (GRCh38, 1-based): chrX:37,809,684, C>T. VCF-style: chrX-37809684-C-T. GRCh37 (hg19) VCF-style: chrX-37668937-C-T.
Other names: short protein forms H527Y.
Identifiers: ClinVar variation 661683 (VCV000661683.11), dbSNP rs1602185789, ClinGen allele CA412978602.

ClinVar aggregate classification (germline): Uncertain significance (1 of 4 stars; one submission).

Conditions:
Granulomatous disease, chronic, X-linked. Also called: CYTOCHROME b-NEGATIVE GRANULOMATOUS DISEASE, CHRONIC, X-LINKED; GRANULOMATOUS DISEASE, CHRONIC, X-LINKED, SOMATIC MOSAIC. Identifiers: Orphanet 379, MedGen C1844376, MONDO:0010600, OMIM 306400.

Submission:

Labcorp Genetics (formerly Invitae), Labcorp
Classification: Uncertain significance for Granulomatous disease, chronic, X-linked. Last evaluated: 2019-06-27. Review status: criteria provided, single submitter. Criteria: Invitae Variant Classification Sherloc (09022015). Collection method: clinical testing. Allele origin: germline.
Comment: This variant has not been reported in the literature in individuals with CYBB-related disease. In summary, the available evidence is currently insufficient to determine the role of this variant in disease. Therefore, it has been classified as a Variant of Uncertain Significance. Algorithms developed to predict the effect of missense changes on protein structure and function are either unavailable or do not agree on the potential impact of this missense change (SIFT: "Deleterious"; PolyPhen-2: "Benign"; Align-GVGD: "Class C65"). This variant is not present in population databases (ExAC no frequency). This sequence change replaces histidine with tyrosine at codon 527 of the CYBB protein (p.His527Tyr). The histidine residue is highly conserved and there is a moderate physicochemical difference between histidine and tyrosine.